The following is an entry in ClinVar:

ClinVar aggregate classification (germline): Benign/Likely benign. Review status: criteria provided, multiple submitters, no conflicts (2 of 4 stars). 7 submissions from 7 submitters: Benign (1); Likely benign (5). 1 of the submissions does not count toward it. Last evaluated 2026-05-20.

Conditions:
NF1-related disorder. Also called: NF1-related condition. Identifiers: MedGen CN379171.
Hereditary cancer-predisposing syndrome. Also called: Hereditary Cancer Syndrome; Neoplastic Syndromes, Hereditary; Hereditary neoplastic syndrome; Tumor predisposition. Identifiers: Orphanet 140162, MedGen C0027672, MeSH D009386, MONDO:0015356.
Neurofibromatosis, type 1 (NF1). Also called: VON RECKLINGHAUSEN DISEASE; NEUROFIBROMATOSIS, TYPE I, SOMATIC; Neurofibromatosis, type I; Peripheral type neurofibromatosis. Identifiers: Orphanet 636, MedGen C0027831, MONDO:0018975, OMIM 162200. Disease mechanism: loss of function.

Allele frequency attached by ClinVar (database versions not stated): TOPMed 0.00002; gnomAD 0.00001.
gnomAD v4.1: 2 of 1,613,588 alleles (0.00012%); highest among the groups gnomAD compares: Admixed American, 0.0033%; no homozygotes.

Submissions (7):

Myriad Genetics, Inc.
Classification: Benign for Neurofibromatosis, type 1. Last evaluated: 2026-05-20. Review status: criteria provided, single submitter. Criteria: Myriad Autosomal Dominant, Autosomal Recessive and X-Linked Classification Criteria (2023). Collection method: clinical testing. Allele origin: unknown.
Comment: This variant is considered benign. This variant is a silent/synonymous amino acid change and it is not expected to impact splicing.

Labcorp Genetics (formerly Invitae), Labcorp
Classification: Likely benign for Neurofibromatosis, type 1. Last evaluated: 2026-01-17. Review status: criteria provided, single submitter. Criteria: Invitae Variant Classification Sherloc (09022015). Collection method: clinical testing. Allele origin: germline.

Women's Health and Genetics/Laboratory Corporation of America, LabCorp
Classification: Likely benign. Last evaluated: 2024-05-30. Review status: criteria provided, single submitter. Criteria: LabCorp Variant Classification Summary - May 2015. Collection method: clinical testing. Allele origin: germline.

Genome-Nilou Lab
Classification: Likely benign for Neurofibromatosis, type 1. Last evaluated: 2022-03-15. Review status: criteria provided, single submitter. Criteria: ACMG Guidelines, 2015. Collection method: clinical testing. Allele origin: germline. Affected: no.

Sema4
Classification: Likely benign for Hereditary cancer-predisposing syndrome. Last evaluated: 2021-03-20. Review status: criteria provided, single submitter. Criteria: Sema4 Curation Guidelines. Collection method: curation. Allele origin: germline.

Ambry Genetics
Classification: Likely benign for Hereditary cancer-predisposing syndrome. Last evaluated: 2016-02-26. Review status: criteria provided, single submitter. Criteria: Ambry Autosomal Dominant and X-Linked criteria (10/2015). Collection method: clinical testing. Allele origin: germline. Observed: 1 variant allele.
Comment: Synonymous alterations with insufficient evidence to classify as benign

PreventionGenetics, part of Exact Sciences
Classification: Likely benign for NF1-related condition. Last evaluated: 2019-05-08. Review status: no assertion criteria provided. Collection method: clinical testing. Allele origin: germline. Not counted in ClinVar's aggregate classification.
Comment: This variant is classified as likely benign based on ACMG/AMP sequence variant interpretation guidelines (Richards et al. 2015 PMID: 25741868, with internal and published modifications).

NM_001042492.3(NF1):c.5715C>T (p.Thr1905=)

Gene: NF1 (neurofibromin 1; plus strand). Cytogenetic location: 17q11.2.
Variant type: single nucleotide variant.
Coding change: c.5715C>T on transcript NM_001042492.3 (MANE Select); coding-DNA position 5715, C replaced by T.
Protein change: p.Thr1905=; no amino-acid change (threonine 1905 retained).
Molecular consequence: synonymous variant.
Genome position (GRCh38, 1-based): chr17:31,330,401, C>T. VCF-style: chr17-31330401-C-T. GRCh37 (hg19) VCF-style: chr17-29657419-C-T.
Other names: c.5652C>T, p.Thr1884= (NM_000267.4).
Identifiers: ClinVar variation 412967 (VCV000412967.18), dbSNP rs1060503892, ClinGen allele CA16615277.
Genomic context (GRCh38, chr17:31,330,401, plus strand): 5'-TTTAAAAATCGAGGGCCAGTTACTAGAGACATCAGGTTTATGTATCCCTGCCAACAACAC[C>T]CTCTTTATTGTCTCTATTAGTAAGACACTGGCAGCCAATGAGCCACACCTCACGTTAGAA-3'
Protein context (NP_001035957.1, residues 1895-1915): TSGLCIPANN[Thr1905=]LFIVSISKTL